The following is an entry in ClinVar:

NM_000443.4(ABCB4):c.3033T>C (p.Phe1011=)

Gene: ABCB4 (ATP binding cassette subfamily B member 4; minus strand). Cytogenetic location: 7q21.12.
Variant type: single nucleotide variant.
Coding change: c.3033T>C on transcript NM_000443.4 (MANE Select); coding-DNA position 3033, T replaced by C.
Protein change: p.Phe1011=; no amino-acid change (phenylalanine 1011 retained).
Molecular consequence: synonymous variant.
Genome position (GRCh38, 1-based): chr7:87,409,284, A>G on the plus strand (T>C on the coding strand, the complement: ABCB4 is on the minus strand). VCF-style: chr7-87409284-A-G. GRCh37 (hg19) VCF-style: chr7-87038600-A-G.
Other names: c.3033T>C (NM_000443.3); c.3033T>C, p.Phe1011= (NM_018849.3); c.2892T>C, p.Phe964= (NM_018850.3).
Identifiers: ClinVar variation 594880 (VCV000594880.10), dbSNP rs1297237099, ClinGen allele CA456357474.
Genomic context (GRCh38, chr7:87,409,284, plus strand): 5'-CAGAGAACTTACAGGCTTCAGCCCCTCTTCACTGTAGCTGTCAATCAGAGGTTGTCTTTC[A>G]AACAGCATGAATAAGTGGGCTGCAGACAGCTTAGCTTTAGCATAGTCTGGAGCAAATGAA-3'
Protein context (NP_000434.1, residues 1001-1021): KLSAAHLFML[Phe1011=]ERQPLIDSYS

ClinVar aggregate classification (germline): Conflicting classifications of pathogenicity. Review status: criteria provided, conflicting classifications (1 of 4 stars). 3 submissions from 3 submitters: Uncertain significance (1); Likely benign (1). 1 of the submissions does not count toward it. Last evaluated 2025-07-19.

Conditions:
ABCB4-related disorder. Also called: ABCB4-related disorders; ABCB4-related condition.

Allele frequency attached by ClinVar (database versions not stated): gnomAD exomes 0.00001; TOPMed 0.00003.
gnomAD v4.1: 17 of 1,614,142 alleles (0.0011%); highest among the groups gnomAD compares: Admixed American, 0.012%; no homozygotes.

Submissions (3):

Labcorp Genetics (formerly Invitae), Labcorp
Classification: Likely benign. Last evaluated: 2025-07-19. Review status: criteria provided, single submitter. Criteria: Invitae Variant Classification Sherloc (09022015). Collection method: clinical testing. Allele origin: germline.

Eurofins Ntd Llc (ga)
Classification: Uncertain significance. Last evaluated: 2017-11-06. Review status: criteria provided, single submitter. Criteria: EGL Classification Definitions 2015. Collection method: clinical testing. Allele origin: germline. Observed: 1 variant allele, 1 heterozygote.

PreventionGenetics, part of Exact Sciences
Classification: Likely benign for ABCB4-related condition. Last evaluated: 2024-02-02. Review status: no assertion criteria provided. Collection method: clinical testing. Allele origin: germline. Not counted in ClinVar's aggregate classification.
Comment: This variant is classified as likely benign based on ACMG/AMP sequence variant interpretation guidelines (Richards et al. 2015 PMID: 25741868, with internal and published modifications).